The following is an entry in ClinVar:

ClinVar aggregate classification (germline): Uncertain significance (1 of 4 stars; one submission).

Conditions:
Cardiovascular phenotype. Identifiers: MedGen CN230736.

Allele frequency attached by ClinVar (database versions not stated): ExAC 0.00002.

Submission:

Ambry Genetics
Classification: Uncertain significance for Cardiovascular phenotype. Last evaluated: 2023-09-23. Review status: criteria provided, single submitter. Criteria: Ambry Variant Classification Scheme 2023. Collection method: clinical testing. Allele origin: germline.
Comment: The p.P439L variant (also known as c.1316C>T), located in coding exon 9 of the LDB3 gene, results from a C to T substitution at nucleotide position 1316. The proline at codon 439 is replaced by leucine, an amino acid with similar properties. This amino acid position is conserved. In addition, this alteration is predicted to be tolerated by in silico analysis. Since supporting evidence is limited at this time, the clinical significance of this alteration remains unclear.

NM_007078.3(LDB3):c.1316C>T (p.Pro439Leu)

Gene: LDB3 (LIM domain binding 3; plus strand). Cytogenetic location: 10q23.2.
Variant type: single nucleotide variant.
Coding change: c.1316C>T on transcript NM_007078.3 (MANE Select); coding-DNA position 1316, C replaced by T.
Protein change: p.Pro439Leu; replaces proline 439 with leucine.
Molecular consequence: missense variant.
Genome position (GRCh38, 1-based): chr10:86,716,411, C>T. VCF-style: chr10-86716411-C-T. GRCh37 (hg19) VCF-style: chr10-88476168-C-T.
Other names: c.986C>T, p.Pro329Leu (NM_001080114.2); c.1331C>T, p.Pro444Leu (NM_001171610.2); c.1127C>T, p.Pro376Leu (NM_001368064.1, NM_001368065.1); c.1175C>T, p.Pro392Leu (NM_001368066.1); short protein forms P376L, P439L, P444L, P329L, P392L.
Identifiers: ClinVar variation 2528394 (VCV002528394.2), dbSNP rs760896660, ClinGen allele CA5585131.